The following is an entry in ClinVar:

ClinVar aggregate classification (germline): Uncertain significance. Review status: criteria provided, multiple submitters, no conflicts (2 of 4 stars). 2 submissions from 2 submitters: Uncertain significance (2). Last evaluated 2025-05-01.

Conditions:
Inborn genetic diseases. Identifiers: MedGen C0950123, MeSH D030342.
Congenital myasthenic syndrome 4A. Also called: Myasthenic syndrome, congenital, 4a, slow-channel; MYASTHENIC SYNDROME, CONGENITAL, 4A, SLOW-CHANNEL, AUTOSOMAL RECESSIVE; CONGENITAL MYASTHENIC SYNDROME TYPE Ia1. Identifiers: Orphanet 590, MedGen C4225413, MONDO:0011600, OMIM 605809.

Submissions (2):

Ambry Genetics
Classification: Uncertain significance for Inborn genetic diseases. Last evaluated: 2025-05-01. Review status: criteria provided, single submitter. Criteria: Ambry Variant Classification Scheme 2023. Collection method: clinical testing. Allele origin: germline.

Labcorp Genetics (formerly Invitae), Labcorp
Classification: Uncertain significance for Congenital myasthenic syndrome 4A. Last evaluated: 2024-11-06. Review status: criteria provided, single submitter. Criteria: Invitae Variant Classification Sherloc (09022015). Collection method: clinical testing. Allele origin: germline.
Comment: This sequence change replaces leucine, which is neutral and non-polar, with valine, which is neutral and non-polar, at codon 350 of the CHRNE protein (p.Leu350Val). This variant is present in population databases (rs749936691, gnomAD 0.003%). This variant has not been reported in the literature in individuals affected with CHRNE-related conditions. Invitae Evidence Modeling of protein sequence and biophysical properties (such as structural, functional, and spatial information, amino acid conservation, physicochemical variation, residue mobility, and thermodynamic stability) indicates that this missense variant is not expected to disrupt CHRNE protein function with a negative predictive value of 80%. In summary, the available evidence is currently insufficient to determine the role of this variant in disease. Therefore, it has been classified as a Variant of Uncertain Significance.

NM_000080.4(CHRNE):c.1048C>G (p.Leu350Val)

Genes: CHRNE (cholinergic receptor nicotinic epsilon subunit; minus strand), LOC130060041 (ATAC-STARR-seq lymphoblastoid silent region 8050; plus strand). Cytogenetic location: 17p13.2.
Variant type: single nucleotide variant.
Coding change: c.1048C>G on transcript NM_000080.4 (MANE Select); coding-DNA position 1048, C replaced by G.
Protein change: p.Leu350Val; replaces leucine 350 with valine.
Molecular consequence: missense variant.
Genome position (GRCh38, 1-based): chr17:4,899,369, G>C on the plus strand (C>G on the coding strand, the complement: CHRNE is on the minus strand). VCF-style: chr17-4899369-G-C. GRCh37 (hg19) VCF-style: chr17-4802664-G-C.
Other names: c.1048C>G (NM_000080.3); short protein forms L350V.
Identifiers: ClinVar variation 3666527 (VCV003666527.3).